The following is an entry in ClinVar:

ClinVar aggregate classification (germline): Uncertain significance. Review status: criteria provided, multiple submitters, no conflicts (2 of 4 stars). 2 submissions from 2 submitters: Uncertain significance (2). Last evaluated 2024-11-05.

Conditions:
Erythrocytosis, familial, 3 (ECYT3). Identifiers: Orphanet 247511, MedGen C1853286, MONDO:0012353, OMIM 609820.

Allele frequency attached by ClinVar (database versions not stated): TOPMed below 0.00001.
gnomAD v4.1: 2 of 1,614,090 alleles (0.00012%); highest among the groups gnomAD compares: African/African-American, 0.0013%; no homozygotes.

Submissions (2):

Ambry Genetics
Classification: Uncertain significance. Last evaluated: 2024-11-05. Review status: criteria provided, single submitter. Criteria: Ambry Variant Classification Scheme 2023. Collection method: clinical testing. Allele origin: germline.
Comment: The p.D394E variant (also known as c.1182T>A), located in coding exon 4 of the EGLN1 gene, results from a T to A substitution at nucleotide position 1182. The aspartic acid at codon 394 is replaced by glutamic acid, an amino acid with highly similar properties. This amino acid position is highly conserved in available vertebrate species. In addition, this alteration is predicted to be tolerated by in silico analysis. Since supporting evidence is limited at this time, the clinical significance of this alteration remains unclear.

Labcorp Genetics (formerly Invitae), Labcorp
Classification: Uncertain significance for Erythrocytosis, familial, 3. Last evaluated: 2021-08-06. Review status: criteria provided, single submitter. Criteria: Invitae Variant Classification Sherloc (09022015). Collection method: clinical testing. Allele origin: germline.
Comment: This sequence change replaces aspartic acid with glutamic acid at codon 394 of the EGLN1 protein (p.Asp394Glu). The aspartic acid residue is highly conserved and there is a small physicochemical difference between aspartic acid and glutamic acid. This variant is not present in population databases (ExAC no frequency). This variant has not been reported in the literature in individuals affected with EGLN1-related conditions. Algorithms developed to predict the effect of missense changes on protein structure and function (SIFT, PolyPhen-2, Align-GVGD) all suggest that this variant is likely to be tolerated. In summary, the available evidence is currently insufficient to determine the role of this variant in disease. Therefore, it has been classified as a Variant of Uncertain Significance.

NM_022051.3(EGLN1):c.1182T>A (p.Asp394Glu)

Gene: EGLN1 (egl-9 family hypoxia inducible factor 1; minus strand). Cytogenetic location: 1q42.2.
Variant type: single nucleotide variant.
Coding change: c.1182T>A on transcript NM_022051.3 (MANE Select); coding-DNA position 1182, T replaced by A.
Protein change: p.Asp394Glu; replaces aspartic acid 394 with glutamic acid.
Molecular consequence: missense variant. On other transcripts: 3 prime UTR variant (1), intron variant (1).
Genome position (GRCh38, 1-based): chr1:231,367,603, A>T on the plus strand (T>A on the coding strand, the complement: EGLN1 is on the minus strand). VCF-style: chr1-231367603-A-T. GRCh37 (hg19) VCF-style: chr1-231503349-A-T.
Other names: c.*7T>A (NM_001377261.1); c.1149-1128T>A (NM_001377260.1); short protein forms D394E.
Identifiers: ClinVar variation 1492004 (VCV001492004.9), dbSNP rs1572014723, ClinGen allele CA345239596.
Genomic context (GRCh38, chr1:231,367,603, plus strand): 5'-ATATCCTGGCCCCAAATGACGTTTACCTGTTAGATATTTTACTTTAGCTCGTGCTCTCTC[A>T]TCTGCATCAAAATACCAAACAGTTATTGCGTACCTAAAAGAAAATTTAGAATAGGATAAG-3'
Protein context (NP_071334.1, residues 384-404): YAITVWYFDA[Asp394Glu]ERARAKVKYL